The following is an entry in ClinVar:

ClinVar aggregate classification (germline): Conflicting classifications of pathogenicity. Review status: criteria provided, conflicting classifications (1 of 4 stars). 4 submissions from 4 submitters: Uncertain significance (3); Likely benign (1). Last evaluated 2025-10-15.

Conditions:
Sensorineural hearing loss disorder. Also called: Sensorineural Deafness; Sensorineural hearing loss; Sensorineural hearing impairment. Identifiers: MedGen C0018784, MeSH D006319, MONDO:0020678, HP:0000407.
Autosomal dominant nonsyndromic hearing loss 5. Identifiers: Orphanet 90635, MedGen C1832932, MONDO:0010973, OMIM 600994.
Inborn genetic diseases. Identifiers: MedGen C0950123, MeSH D030342.
GSDME-related disorder. Also called: GSDME-related condition.

Allele frequency attached by ClinVar (database versions not stated): ExAC 0.00008; ESP Exome Variant Server 0.00008; gnomAD exomes 0.00011 and 0.00006; 1000 Genomes Project 0.00020; 1000 Genomes Project 30x 0.00031; gnomAD 0.00002 and 0.00007; TOPMed 0.00006.
gnomAD v4.1: 96 of 1,613,822 alleles (0.0059%); highest among the groups gnomAD compares: East Asian, 0.13%; no homozygotes.

Submissions (4):

Ambry Genetics
Classification: Uncertain significance for Inborn genetic diseases. Last evaluated: 2025-10-15. Review status: criteria provided, single submitter. Criteria: Ambry Variant Classification Scheme 2023. Collection method: clinical testing. Allele origin: germline.

PreventionGenetics, part of Exact Sciences
Classification: Likely benign for GSDME-related condition. Last evaluated: 2025-01-19. Review status: criteria provided, single submitter. Criteria: ACMG Guidelines, 2015. Collection method: clinical testing. Allele origin: germline.
Comment: This variant is classified as likely benign based on ACMG/AMP sequence variant interpretation guidelines (Richards et al. 2015 PMID: 25741868, with internal and published modifications).

Illumina Laboratory Services, Illumina
Classification: Uncertain significance for Autosomal dominant nonsyndromic hearing loss 5. Last evaluated: 2018-04-20. Review status: criteria provided, single submitter. Criteria: ICSL Variant Classification Criteria 13 December 2019. Collection method: clinical testing. Allele origin: germline.

Centre for Mendelian Genomics, University Medical Centre Ljubljana
Classification: Uncertain significance for Sensorineural hearing loss disorder. Last evaluated: 2017-01-01. Review status: criteria provided, single submitter. Criteria: ACMG Guidelines, 2015. Collection method: clinical testing. Allele origin: unknown. Affected: yes.

NM_001127453.2(GSDME):c.456T>G (p.Asn152Lys)

Gene: GSDME (gasdermin E; minus strand). Cytogenetic location: 7p15.3.
Variant type: single nucleotide variant.
Coding change: c.456T>G on transcript NM_001127453.2 (MANE Select); coding-DNA position 456, T replaced by G.
Protein change: p.Asn152Lys; replaces asparagine 152 with lysine.
Molecular consequence: missense variant. On other transcripts: 5 prime UTR variant (1).
Genome position (GRCh38, 1-based): chr7:24,719,167, A>C on the plus strand (T>G on the coding strand, the complement: GSDME is on the minus strand). VCF-style: chr7-24719167-A-C. GRCh37 (hg19) VCF-style: chr7-24758786-A-C.
Other names: c.-37T>G (NM_001127454.2); c.456T>G, p.Asn152Lys (NM_004403.3); short protein forms N152K.
Identifiers: ClinVar variation 523410 (VCV000523410.7), dbSNP rs148449230, ClinGen allele CA4191734.